The following is an entry in ClinVar:

ClinVar aggregate classification (germline): Conflicting classifications of pathogenicity. Review status: criteria provided, conflicting classifications (1 of 4 stars). 11 submissions from 11 submitters: Likely pathogenic (1); Uncertain significance (9). 1 of the submissions does not count toward it. Last evaluated 2026-01-27.

Conditions:
MYH7-related disorder. Also called: MYH7-related condition; MYH7-related disease; MYH7-related disorders.
Hypertrophic cardiomyopathy 1 (CMH1). Also called: Familial hypertrophic cardiomyopathy 1; MYH7-Related Familial Hypertrophic Cardiomyopathy. Identifiers: MedGen C3495498, MONDO:0008647, OMIM 192600.
Congenital myopathy with fiber type disproportion. Also called: Congenital fiber-type disproportion; Congenital fiber-type disproportion myopathy. Identifiers: Orphanet 2020, MedGen C0546264, MONDO:0009711. Inheritance: all.
Myopathy, myosin storage, autosomal recessive (CMYO7B). Also called: CONGENITAL MYOPATHY 7B, MYOSIN STORAGE, AUTOSOMAL RECESSIVE. Identifiers: Orphanet 636970, MedGen C1850709, MONDO:0009708, OMIM 255160.
Myosin storage myopathy (CMYO7A). Also called: MYH7-related late-onset scapuloperoneal muscular dystrophy; Congenital myopathy 7A, myosin storage, autosomal dominant; MYOPATHY, HYALINE BODY, AUTOSOMAL DOMINANT; SCAPULOPERONEAL MUSCULAR DYSTROPHY; SCAPULOPERONEAL SYNDROME, MYOPATHIC TYPE; MYOPATHY WITH LYSIS OF TYPE I MYOFIBRILS. Identifiers: Orphanet 437572, Orphanet 636965, MedGen C1842160, MONDO:0008409, OMIM 608358.
Dilated cardiomyopathy 1S (CMD1S). Identifiers: Orphanet 154, Orphanet 54260, MedGen C1834481, MONDO:0013262, OMIM 613426.
MYH7-related skeletal myopathy. Also called: Laing early-onset distal myopathy; MYOPATHY, DISTAL, EARLY-ONSET, AUTOSOMAL DOMINANT; MYOPATHY, LATE DISTAL HEREDITARY; Myopathy, distal, 1; Laing distal myopathy. Identifiers: Orphanet 59135, MedGen C4552004, MONDO:0008050, OMIM 160500.
Cardiovascular phenotype. Identifiers: MedGen CN230736.
Cardiomyopathy (CMYO). Also called: Cardiomyopathies. Identifiers: Orphanet 167848, MedGen C0878544, MONDO:0004994, HP:0001638. Inheritance: Various modes of inheritance.
Hypertrophic cardiomyopathy. Also called: HYPERTROPHIC MYOCARDIOPATHY. Identifiers: Orphanet 217569, MedGen C0007194, MeSH D002312, MONDO:0005045, HP:0001639.

Allele frequency attached by ClinVar (database versions not stated): ExAC 0.00001; gnomAD 0.00001; gnomAD exomes 0.00001 and 0.00002; TOPMed 0.00002.
gnomAD v4.1: 34 of 1,612,492 alleles (0.0021%); highest among the groups gnomAD compares: Middle Eastern, 0.049%; no homozygotes.

Submissions (11):

Labcorp Genetics (formerly Invitae), Labcorp
Classification: Likely pathogenic for Hypertrophic cardiomyopathy. Last evaluated: 2026-01-27. Review status: criteria provided, single submitter. Criteria: Invitae Variant Classification Sherloc (09022015). Collection method: clinical testing. Allele origin: germline.
Comment: This sequence change replaces arginine, which is basic and polar, with glutamine, which is neutral and polar, at codon 1560 of the MYH7 protein (p.Arg1560Gln). This variant is present in population databases (rs730880806, gnomAD 0.006%). This missense change has been observed in individual(s) with hypertrophic cardiomyopathy (PMID: 27247418, 30297972). ClinVar contains an entry for this variant (Variation ID: 181262). Invitae Evidence Modeling of protein sequence and biophysical properties (such as structural, functional, and spatial information, amino acid conservation, physicochemical variation, residue mobility, and thermodynamic stability) indicates that this missense variant is expected to disrupt MYH7 protein function with a positive predictive value of 95%. This variant disrupts the p.Arg1560 amino acid residue in MYH7. Other variant(s) that disrupt this residue have been determined to be pathogenic (PMID: 30166250). This suggests that this residue is clinically significant, and that variants that disrupt this residue are likely to be disease-causing. In summary, the currently available evidence indicates that the variant is pathogenic, but additional data are needed to prove that conclusively. Therefore, this variant has been classified as Likely Pathogenic.

GeneDx
Classification: Uncertain significance. Last evaluated: 2025-10-02. Review status: criteria provided, single submitter. Criteria: GeneDx Variant Classification Process June 2021. Collection method: clinical testing. Allele origin: germline. Affected: yes.
Comment: Identified in patients with HCM referred for genetic testing at GeneDx and in published literature (PMID: 27247418); Not observed at significant frequency in large population cohorts (gnomAD); In silico analysis supports that this missense variant has a deleterious effect on protein structure/function; This variant is associated with the following publications: (PMID: 34542152, 27247418)

All of Us Research Program, National Institutes of Health
Classification: Uncertain significance for Cardiomyopathy. Last evaluated: 2024-08-23. Review status: criteria provided, single submitter. Criteria: ACMG Guidelines, 2015. Collection method: clinical testing. Allele origin: germline. Inheritance: Autosomal dominant inheritance. Observed: 10 variant alleles, 10 heterozygotes.
Comment: This missense variant replaces arginine with glutamine at codon 1560 of the MYH7 protein. Computational prediction suggests that this variant may have deleterious impact on protein structure and function (internally defined REVEL score threshold >= 0.7, PMID: 27666373). To our knowledge, functional studies have not been reported for this variant. This variant has been reported in an individual affected with hypertrophic cardiomyopathy (PMID: 27247418). This variant has been identified in 4/282352 chromosomes in the general population by the Genome Aggregation Database (gnomAD). The available evidence is insufficient to determine the role of this variant in disease conclusively. Therefore, this variant is classified as a Variant of Uncertain Significance.

This study involves interpretation of variants in research participants for the purpose of population health screening. Participant phenotype was not available at the time of variant classification. Additional details can be found in publication PMID: 35346344, PMCID: PMC8962531

Color Diagnostics, LLC DBA Color Health
Classification: Uncertain significance for Cardiomyopathy. Last evaluated: 2024-04-23. Review status: criteria provided, single submitter. Criteria: ACMG Guidelines, 2015. Collection method: clinical testing. Allele origin: germline.
Comment: This missense variant replaces arginine with glutamine at codon 1560 of the MYH7 protein. Computational prediction tools indicate that this variant has a deleterious impact on protein structure and function. To our knowledge, functional studies have not been reported for this variant. This variant has been reported in at least one individual affected with hypertrophic cardiomyopathy (PMID: 27247418, 30297972, 31199839). This variant has been identified in 4/282352 chromosomes in the general population by the Genome Aggregation Database (gnomAD). The available evidence is insufficient to determine the role of this variant in disease conclusively. Therefore, this variant is classified as a Variant of Uncertain Significance.

Revvity Omics, Revvity
Classification: Uncertain significance. Last evaluated: 2023-09-05. Review status: criteria provided, single submitter. Criteria: ACMG Guidelines, 2015. Collection method: clinical testing. Allele origin: germline.

Blueprint Genetics
Classification: Uncertain significance. Last evaluated: 2023-02-13. Review status: criteria provided, single submitter. Criteria: ACMG Guidelines, 2015. Collection method: clinical testing. Allele origin: germline.

Fulgent Genetics
Classification: Uncertain significance for MYH7-related skeletal myopathy; Myosin storage myopathy; Hypertrophic cardiomyopathy 1; Myopathy, myosin storage, autosomal recessive; Congenital myopathy 4A, autosomal dominant; Dilated cardiomyopathy 1S. Last evaluated: 2022-04-07. Review status: criteria provided, single submitter. Criteria: ACMG Guidelines, 2015. Collection method: clinical testing. Allele origin: unknown.

AiLife Diagnostics
Classification: Uncertain significance. Last evaluated: 2021-10-06. Review status: criteria provided, single submitter. Criteria: ACMG Guidelines, 2015. Collection method: clinical testing. Allele origin: germline. Affected: yes. Observed: 1 variant allele.

Ambry Genetics
Classification: Uncertain significance for Cardiovascular phenotype. Last evaluated: 2021-07-28. Review status: criteria provided, single submitter. Criteria: Ambry Variant Classification Scheme 2023. Collection method: clinical testing. Allele origin: germline.
Comment: The p.R1560Q variant (also known as c.4679G>A), located in coding exon 32 of the MYH7 gene, results from a G to A substitution at nucleotide position 4679. The arginine at codon 1560 is replaced by glutamine, an amino acid with highly similar properties. This alteration was reported in a hypertrophic cardiomyopathy (HCM) cohort; however, clinical details were limited (Homburger JR et al. Proc Natl Acad Sci U S A, 2016 06;113:6701-6). This amino acid position is highly conserved in available vertebrate species. In addition, this alteration is predicted to be deleterious by in silico analysis. Since supporting evidence is limited at this time, the clinical significance of this alteration remains unclear.

Stanford Center for Inherited Cardiovascular Disease, Stanford University
Classification: Uncertain significance. Last evaluated: 2013-01-07. Review status: criteria provided, single submitter. Criteria: ACMG Guidelines, 2015. Collection method: provider interpretation. Allele origin: germline.

PreventionGenetics, part of Exact Sciences
Classification: Uncertain significance for MYH7-related condition. Last evaluated: 2024-03-20. Review status: no assertion criteria provided. Collection method: clinical testing. Allele origin: germline. Not counted in ClinVar's aggregate classification.
Comment: The MYH7 c.4679G>A variant is predicted to result in the amino acid substitution p.Arg1560Gln. This variant was reported as a variant of uncertain significance in both control and affected individuals in hypertrophic cardiomyopathy cohort studies (Dataset S1; Homburger et al. 2016. PubMed ID: 27247418; Table S6, Park et al. 2022. PubMed ID: 34542152). This variant is reported in 0.0056% of alleles in individuals of Latino descent in gnomAD and is interpreted as uncertain significance by the majority of submitters in ClinVar. At this time, the clinical significance of this variant is uncertain due to the absence of conclusive functional and genetic evidence.

Literature cited by the submitters: PubMed 27247418 (cited by 5 submitters); PubMed 30297972 (cited by Labcorp Genetics (formerly Invitae), Labcorp and Color Diagnostics, LLC DBA Color Health); PubMed 30166250 (cited by Labcorp Genetics (formerly Invitae), Labcorp); PubMed 31199839 (cited by Color Diagnostics, LLC DBA Color Health).

NM_000257.4(MYH7):c.4679G>A (p.Arg1560Gln)

Genes: MHRT (myosin heavy chain associated RNA transcript; plus strand), MYH7 (myosin heavy chain 7; minus strand), LOC126861897 (BRD4-independent group 4 enhancer GRCh37_chr14:23884455-23885654; plus strand). Cytogenetic location: 14q11.2.
Variant type: single nucleotide variant.
Coding change: c.4679G>A on transcript NM_000257.4 (MANE Select); coding-DNA position 4679, G replaced by A.
Protein change: p.Arg1560Gln; replaces arginine 1560 with glutamine.
Molecular consequence: missense variant. On other transcripts: non-coding transcript variant (1).
Genome position (GRCh38, 1-based): chr14:23,416,278, C>T on the plus strand (G>A on the coding strand, the complement: MYH7 is on the minus strand). VCF-style: chr14-23416278-C-T. GRCh37 (hg19) VCF-style: chr14-23885487-C-T.
Other names: p.R1560Q:CGG>CAG; c.4679G>A (LRG_384t1); short protein forms R1560Q.
Identifiers: ClinVar variation 181262 (VCV000181262.30), dbSNP rs730880806, ClinGen allele CA015224.